The following is an entry in ClinVar:

ClinVar aggregate classification (germline): Uncertain significance. Review status: criteria provided, multiple submitters, no conflicts (2 of 4 stars). 2 submissions from 2 submitters: Uncertain significance (2). Last evaluated 2025-11-05.

Conditions:
Infantile spasms. Also called: Infantile spasm. Identifiers: MedGen C3887898, HP:0012469.

gnomAD v4.1: 6 of 1,614,058 alleles (0.00037%); highest among the groups gnomAD compares: South Asian, 0.0033%; no homozygotes.

Submissions (2):

Ambry Genetics
Classification: Uncertain significance. Last evaluated: 2025-11-05. Review status: criteria provided, single submitter. Criteria: Ambry Variant Classification Scheme 2023. Collection method: clinical testing. Allele origin: germline.

Labcorp Genetics (formerly Invitae), Labcorp
Classification: Uncertain significance for Infantile spasms. Last evaluated: 2025-08-18. Review status: criteria provided, single submitter. Criteria: Invitae Variant Classification Sherloc (09022015). Collection method: clinical testing. Allele origin: germline.
Comment: This sequence change replaces tyrosine, which is neutral and polar, with histidine, which is basic and polar, at codon 249 of the PIK3AP1 protein (p.Tyr249His). This variant is not present in population databases (gnomAD no frequency). This variant has not been reported in the literature in individuals affected with PIK3AP1-related conditions. An algorithm developed to predict the effect of missense changes on protein structure and function (PolyPhen-2) suggests that this variant is likely to be disruptive. In summary, the available evidence is currently insufficient to determine the role of this variant in disease. Therefore, it has been classified as a Variant of Uncertain Significance.

NM_152309.3(PIK3AP1):c.745T>C (p.Tyr249His)

Gene: PIK3AP1 (phosphoinositide-3-kinase adaptor protein 1; minus strand). Cytogenetic location: 10q24.1.
Variant type: single nucleotide variant.
Coding change: c.745T>C on transcript NM_152309.3 (MANE Select); coding-DNA position 745, T replaced by C.
Protein change: p.Tyr249His; replaces tyrosine 249 with histidine.
Molecular consequence: missense variant.
Genome position (GRCh38, 1-based): chr10:96,651,619, A>G on the plus strand (T>C on the coding strand, the complement: PIK3AP1 is on the minus strand). VCF-style: chr10-96651619-A-G. GRCh37 (hg19) VCF-style: chr10-98411376-A-G.
Other names: short protein forms Y249H.
Identifiers: ClinVar variation 4567898 (VCV004567898.2).